The following is an entry in ClinVar:

NM_000138.5(FBN1):c.5296+2T>A

Gene: FBN1 (fibrillin 1; minus strand). Cytogenetic location: 15q21.1.
Variant type: single nucleotide variant.
Coding change: c.5296+2T>A on transcript NM_000138.5 (MANE Select); the canonical splice donor site of the intron after coding-DNA position 5296, T replaced by A.
Molecular consequence: splice donor variant.
Genome position (GRCh38, 1-based): chr15:48,460,244, A>T on the plus strand (T>A on the coding strand, the complement: FBN1 is on the minus strand). VCF-style: chr15-48460244-A-T. GRCh37 (hg19) VCF-style: chr15-48752441-A-T.
Other names: c.5296+2T>A (NM_001406716.1).
Identifiers: ClinVar variation 4784630 (VCV004784630.1).

ClinVar aggregate classification (germline): Pathogenic (1 of 4 stars; one submission).

Conditions:
Marfan syndrome (MFS). Also called: FBN1-Related Marfan Syndrome; MARFAN SYNDROME, TYPE I; Marfan syndrome type 1; Marfan's syndrome; Marfan syndrome, classic. Identifiers: Orphanet 284963, Orphanet 558, MedGen C0024796, MONDO:0007947, OMIM 154700.
Familial thoracic aortic aneurysm and aortic dissection (TAAD). Also called: Thoracic aortic aneurysms and dissections. Identifiers: Orphanet 91387, MedGen C4707243, MONDO:0019625.

Submission:

Labcorp Genetics (formerly Invitae), Labcorp
Classification: Pathogenic for Marfan syndrome; Familial thoracic aortic aneurysm and aortic dissection. Last evaluated: 2025-04-07. Review status: criteria provided, single submitter. Criteria: Invitae Variant Classification Sherloc (09022015). Collection method: clinical testing. Allele origin: germline.
Comment: This sequence change affects a donor splice site in intron 43 of the FBN1 gene. It is expected to disrupt RNA splicing. Variants that disrupt the donor or acceptor splice site typically lead to a loss of protein function (PMID: 16199547), and loss-of-function variants in FBN1 are known to be pathogenic (PMID: 17657824, 19293843). This variant is not present in population databases (gnomAD no frequency). Disruption of this splice site has been observed in individuals with Marfan syndrome (PMID: 27906200; internal data). Algorithms developed to predict the effect of sequence changes on RNA splicing suggest that this variant may disrupt the consensus splice site. For these reasons, this variant has been classified as Pathogenic.

Literature cited by the submitters: PubMed 16199547; PubMed 17657824; PubMed 19293843; PubMed 27906200.